The following is an entry in ClinVar:

ClinVar aggregate classification (germline): Uncertain significance (1 of 4 stars; one submission).

Conditions:
Arrhythmogenic cardiomyopathy with wooly hair and keratoderma. Also called: Carvajal syndrome; PALMOPLANTAR KERATODERMA WITH LEFT VENTRICULAR CARDIOMYOPATHY AND WOOLLY HAIR; Dilated cardiomyopathy with woolly hair and keratoderma; Arrhythmogenic cardiomyopathy with woolly hair and keratoderma. Identifiers: Orphanet 65282, MedGen C1854063, MONDO:0011581, OMIM 605676.

gnomAD v4.1: 1 of 1,613,492 alleles (0.000062%); highest among the groups gnomAD compares: Admixed American, 0.0017%; no homozygotes.

Submission:

All of Us Research Program, National Institutes of Health
Classification: Uncertain significance for Arrhythmogenic cardiomyopathy with wooly hair and keratoderma. Last evaluated: 2024-06-07. Review status: criteria provided, single submitter. Criteria: ACMG Guidelines, 2015. Collection method: clinical testing. Allele origin: germline. Inheritance: Autosomal dominant inheritance. Observed: 1 variant allele, 1 heterozygote.
Comment: This study involves interpretation of variants in research participants for the purpose of population health screening. Participant phenotype was not available at the time of variant classification. Additional details can be found in publication PMID: 35346344, PMCID: PMC8962531

NM_004415.4(DSP):c.2998C>G (p.His1000Asp)

Gene: DSP (desmoplakin; plus strand). Cytogenetic location: 6p24.3.
Variant type: single nucleotide variant.
Coding change: c.2998C>G on transcript NM_004415.4 (MANE Select); coding-DNA position 2998, C replaced by G.
Protein change: p.His1000Asp; replaces histidine 1000 with aspartic acid.
Molecular consequence: missense variant.
Genome position (GRCh38, 1-based): chr6:7,578,476, C>G. VCF-style: chr6-7578476-C-G. GRCh37 (hg19) VCF-style: chr6-7578709-C-G.
Other names: c.2998C>G, p.His1000Asp (NM_001008844.3, NM_001319034.2); short protein forms H1000D.
Identifiers: ClinVar variation 3386653 (VCV003386653.1).